The following is an entry in ClinVar:

ClinVar aggregate classification (germline): Uncertain significance (1 of 4 stars; one submission).

Submission:

GeneDx
Classification: Uncertain significance. Last evaluated: 2022-09-26. Review status: criteria provided, single submitter. Criteria: GeneDx Variant Classification Process June 2021. Collection method: clinical testing. Allele origin: germline. Affected: yes.
Comment: Not observed at significant frequency in large population cohorts (gnomAD); In silico analysis supports a deleterious effect on protein structure/function; Has not been previously published as pathogenic or benign to our knowledge

NM_024496.4(IRF2BPL):c.1235_1237inv (p.Gly412_Met413delinsValLeu)

Gene: IRF2BPL (interferon regulatory factor 2 binding protein like; minus strand). Cytogenetic location: 14q24.3.
Variant type: Inversion.
Coding change: c.1235_1237inv on transcript NM_024496.4 (MANE Select).
Protein change: p.Gly412_Met413delinsValLeu.
Molecular consequence: missense variant.
Genome position: GRCh38 VCF-style: chr14-77026556-TGC-GCA. GRCh37 (hg19) VCF-style: chr14-77492899-TGC-GCA.
Identifiers: ClinVar variation 1700907 (VCV001700907.3), ClinGen allele CA2580088794.